The following is an entry in ClinVar:

NM_005633.4(SOS1):c.1655_1669del (p.Arg552_Val556del)

Gene: SOS1 (SOS Ras/Rac guanine nucleotide exchange factor 1; minus strand). Cytogenetic location: 2p22.1.
Variant type: Deletion.
Coding change: c.1655_1669del on transcript NM_005633.4 (MANE Select); coding-DNA positions 1655 to 1669, 15 bases deleted (GGATGCTTGATGTAA).
Protein change: p.Arg552_Val556del.
Genome position (GRCh38, 1-based): chr2:39,022,759-39,022,773, TTACATCAAGCATCC deleted on the plus strand (GGATGCTTGATGTAA on the coding strand, the reverse complement: SOS1 is on the minus strand); deleting any 15 consecutive bases within chr2:39,022,759-39,022,775 gives the same sequence; the c. name uses the placement nearest the transcript's 3' end. VCF-style (leftmost placement, unchanged base first): chr2-39022758-GTTACATCAAGCATCC-G. GRCh37 (hg19) VCF-style: chr2-39249899-GTTACATCAAGCATCC-G.
Other names: c.1634_1648del, p.Arg545_Val549del (NM_001382394.1); c.1655_1669del, p.Arg552_Val556del (NM_001382395.1).
Identifiers: ClinVar variation 3642161 (VCV003642161.2).

ClinVar aggregate classification (germline): Uncertain significance (1 of 4 stars; one submission).

Conditions:
RASopathy. Also called: Noonan spectrum disorder; rasopathies. Identifiers: Orphanet 536391, MedGen C5555857, MONDO:0021060.

Submission:

Labcorp Genetics (formerly Invitae), Labcorp
Classification: Uncertain significance for RASopathy. Last evaluated: 2024-02-20. Review status: criteria provided, single submitter. Criteria: Invitae Variant Classification Sherloc (09022015). Collection method: clinical testing. Allele origin: germline.
Comment: This variant, c.1655_1669del, results in the deletion of 5 amino acid(s) of the SOS1 protein (p.Arg552_Val556del), but otherwise preserves the integrity of the reading frame. This variant is not present in population databases (gnomAD no frequency). This variant has not been reported in the literature in individuals affected with SOS1-related conditions. Experimental studies and prediction algorithms are not available or were not evaluated, and the functional significance of this variant is currently unknown. In summary, the available evidence is currently insufficient to determine the role of this variant in disease. Therefore, it has been classified as a Variant of Uncertain Significance.